The following is an entry in ClinVar:

ClinVar aggregate classification (germline): Uncertain significance (1 of 4 stars; one submission).

Conditions:
Brachyolmia-amelogenesis imperfecta syndrome. Also called: PLATYSPONDYLY WITH AMELOGENESIS IMPERFECTA; Tooth agenesis, selective, 6; Dental anomalies and short stature. Identifiers: Orphanet 2899, MedGen C1832594, MONDO:0011018, OMIM 601216. Disease mechanism: loss of function.

gnomAD v4.1: 6 of 1,164,746 alleles (0.00052%); highest among the groups gnomAD compares: Non-Finnish European, 0.00063%; no homozygotes.

Submission:

Labcorp Genetics (formerly Invitae), Labcorp
Classification: Uncertain significance for Brachyolmia-amelogenesis imperfecta syndrome. Last evaluated: 2023-10-10. Review status: criteria provided, single submitter. Criteria: Invitae Variant Classification Sherloc (09022015). Collection method: clinical testing. Allele origin: germline.
Comment: This sequence change replaces glycine, which is neutral and non-polar, with arginine, which is basic and polar, at codon 3 of the LTBP3 protein (p.Gly3Arg). This variant is not present in population databases (gnomAD no frequency). This variant has not been reported in the literature in individuals affected with LTBP3-related conditions. ClinVar contains an entry for this variant (Variation ID: 1946903). Experimental studies and prediction algorithms are not available or were not evaluated, and the functional significance of this variant is currently unknown. In summary, the available evidence is currently insufficient to determine the role of this variant in disease. Therefore, it has been classified as a Variant of Uncertain Significance.

NM_001130144.3(LTBP3):c.7G>C (p.Gly3Arg)

Gene: LTBP3 (latent transforming growth factor beta binding protein 3; minus strand). Cytogenetic location: 11q13.1.
Variant type: single nucleotide variant.
Coding change: c.7G>C on transcript NM_001130144.3 (MANE Select); coding-DNA position 7, G replaced by C.
Protein change: p.Gly3Arg; replaces glycine 3 with arginine.
Molecular consequence: missense variant. On other transcripts: 5 prime UTR variant (1).
Genome position (GRCh38, 1-based): chr11:65,557,953, C>G on the plus strand (G>C on the coding strand, the complement: LTBP3 is on the minus strand). VCF-style: chr11-65557953-C-G. GRCh37 (hg19) VCF-style: chr11-65325424-C-G.
Other names: c.-341G>C (NM_001164266.1); c.7G>C, p.Gly3Arg (NM_021070.4); short protein forms G3R.
Identifiers: ClinVar variation 1946903 (VCV001946903.5), dbSNP rs1394412946, ClinGen allele CA381278884.